The following is an entry in ClinVar:

NM_006580.4(CLDN16):c.458A>G (p.Asn153Ser)

Gene: CLDN16 (claudin 16; plus strand). Cytogenetic location: 3q28.
Variant type: single nucleotide variant.
Coding change: c.458A>G on transcript NM_006580.4 (MANE Select); coding-DNA position 458, A replaced by G.
Protein change: p.Asn153Ser; replaces asparagine 153 with serine.
Molecular consequence: missense variant.
Genome position (GRCh38, 1-based): chr3:190,408,389, A>G. VCF-style: chr3-190408389-A-G. GRCh37 (hg19) VCF-style: chr3-190126178-A-G.
Other names: p.Asn223Ser; c.458A>G, p.Asn153Ser (NM_001378492.1, NM_001378493.1); short protein forms N153S.
Identifiers: ClinVar variation 974421 (VCV000974421.15), dbSNP rs201367228, ClinGen allele CA2753877.

ClinVar aggregate classification (germline): Conflicting classifications of pathogenicity. Review status: criteria provided, conflicting classifications (1 of 4 stars). 9 submissions from 9 submitters: Likely pathogenic (2); Uncertain significance (5); Likely benign (2). Last evaluated 2025-11-25.

Conditions:
CLDN16-related disorder. Also called: CLDN16-related condition.
Inborn genetic diseases. Identifiers: MedGen C0950123, MeSH D030342.
Primary hypomagnesemia (HOMG3). Also called: HYPOMAGNESEMIA, FAMILIAL, WITH HYPERCALCIURIA AND NEPHROCALCINOSIS; HYPOMAGNESEMIA, ISOLATED RENAL; HYPOMAGNESEMIA, PRIMARY, DUE TO DEFECT IN RENAL TUBULAR TRANSPORT OF MAGNESIUM; HYPOMAGNESEMIA 3, RENAL. Identifiers: Orphanet 31043, MedGen C0268448, MONDO:0009550, OMIM 248250.

Allele frequency attached by ClinVar (database versions not stated): ESP Exome Variant Server 0.00023; TOPMed 0.00024; gnomAD exomes 0.00031 and 0.00033; ExAC 0.00035; 1000 Genomes Project 0.00040; 1000 Genomes Project 30x 0.00047; gnomAD 0.00021 and 0.00022.
gnomAD v4.1: 504 of 1,614,116 alleles (0.031%); highest among the groups gnomAD compares: Middle Eastern, 0.2%; 2 homozygotes.

Submissions (10):

Labcorp Genetics (formerly Invitae), Labcorp
Classification: Likely benign. Last evaluated: 2025-11-25. Review status: criteria provided, single submitter. Criteria: Invitae Variant Classification Sherloc (09022015). Collection method: clinical testing. Allele origin: germline.

Mayo Clinic Laboratories, Mayo Clinic
Classification: Uncertain significance. Last evaluated: 2025-11-23. Review status: criteria provided, single submitter. Criteria: ACMG Guidelines, 2015. Collection method: clinical testing. Allele origin: germline. Observed: 1 variant allele.

Genomic Medicine Center of Excellence, King Faisal Specialist Hospital and Research Centre
Classification: Likely pathogenic for Primary hypomagnesemia. Last evaluated: 2025-09-10. Review status: criteria provided, single submitter. Criteria: ACMG Guidelines, 2015. Collection method: clinical testing. Allele origin: germline.

Ambry Genetics
Classification: Uncertain significance for Inborn genetic diseases. Last evaluated: 2025-01-22. Review status: criteria provided, single submitter. Criteria: Ambry Variant Classification Scheme 2023. Collection method: clinical testing. Allele origin: germline.

GeneDx
Classification: Uncertain significance. Last evaluated: 2024-12-05. Review status: criteria provided, single submitter. Criteria: GeneDx Variant Classification Process June 2021. Collection method: clinical testing. Allele origin: germline. Affected: yes.
Comment: In silico analysis indicates that this missense variant does not alter protein structure/function; This variant is associated with the following publications: (PMID: 32760237, 33532864)

PreventionGenetics, part of Exact Sciences
Classification: Likely benign for CLDN16-related condition. Last evaluated: 2024-12-05. Review status: criteria provided, single submitter. Criteria: ACMG Guidelines, 2015. Collection method: clinical testing. Allele origin: germline.
Comment: This variant is classified as likely benign based on ACMG/AMP sequence variant interpretation guidelines (Richards et al. 2015 PMID: 25741868, with internal and published modifications).

Blueprint Genetics
Classification: Uncertain significance. Last evaluated: 2024-11-13. Review status: criteria provided, single submitter. Criteria: ACMG Guidelines, 2015. Collection method: clinical testing. Allele origin: germline.

Fulgent Genetics
Classification: Uncertain significance for Primary hypomagnesemia. Last evaluated: 2024-04-05. Review status: criteria provided, single submitter. Criteria: ACMG Guidelines, 2015. Collection method: clinical testing. Allele origin: germline.

Molecular Biology Laboratory, Fundació Puigvert
Classification: Likely pathogenic for Primary hypomagnesemia. Last evaluated: 2020-02-01. Review status: criteria provided, single submitter. Criteria: ACMG Guidelines, 2015. Collection method: research. Allele origin: inherited. Affected: yes. Study: KidneyPanel_2020.

Dr. Peter K. Rogan Lab, Western University
No classification provided (evidence only). Condition: Clear cell carcinoma of kidney. Review status: no classification provided. Collection method: in vitro. Allele origin: not applicable. Functional consequence: retained intron. Not counted in ClinVar's aggregate classification.

Literature cited by the submitters: PubMed 32760237 (cited by Mayo Clinic Laboratories, Mayo Clinic); PubMed 33532864 (cited by 3 submitters).